The following is an entry in ClinVar:

NM_001256317.3(TMPRSS3):c.1345-6T>G

Gene: TMPRSS3 (transmembrane serine protease 3; minus strand). Cytogenetic location: 21q22.3.
Variant type: single nucleotide variant.
Coding change: c.1345-6T>G on transcript NM_001256317.3 (MANE Select); 6 bases into the intron before coding-DNA position 1345, T replaced by G.
Molecular consequence: intron variant.
Genome position (GRCh38, 1-based): chr21:42,372,785, A>C on the plus strand (T>G on the coding strand, the complement: TMPRSS3 is on the minus strand). VCF-style: chr21-42372785-A-C. GRCh37 (hg19) VCF-style: chr21-43792894-A-C.
Other names: c.1348-6T>G (NM_024022.4); c.967-6T>G (NM_032404.3).
Identifiers: ClinVar variation 3900761 (VCV003900761.1).

ClinVar aggregate classification (germline): Uncertain significance (1 of 4 stars; one submission).

gnomAD v4.1: 16 of 1,613,834 alleles (0.00099%); highest among the groups gnomAD compares: Admixed American, 0.0017%; no homozygotes.

Submission:

GeneDx
Classification: Uncertain significance. Last evaluated: 2024-12-02. Review status: criteria provided, single submitter. Criteria: GeneDx Variant Classification Process June 2021. Collection method: clinical testing. Allele origin: germline. Affected: yes.
Comment: Not observed at significant frequency in large population cohorts (gnomAD); Has not been previously published as pathogenic or benign to our knowledge; In silico analysis is inconclusive as to whether the variant alters gene splicing. In the absence of RNA/functional studies, the actual effect of this sequence change is unknown.